The following is an entry in ClinVar:

ClinVar aggregate classification (germline): Conflicting classifications of pathogenicity. Review status: criteria provided, conflicting classifications (1 of 4 stars). 7 submissions from 7 submitters: Uncertain significance (1); Benign (1); Likely benign (4). 1 of the submissions does not count toward it. Last evaluated 2026-01-16.

Conditions:
Hereditary cancer-predisposing syndrome. Also called: Tumor predisposition; Hereditary neoplastic syndrome; Neoplastic Syndromes, Hereditary; Hereditary Cancer Syndrome. Identifiers: Orphanet 140162, MedGen C0027672, MeSH D009386, MONDO:0015356.
Gorlin syndrome. Also called: Nevoid Basal Cell Carcinoma Syndrome; Basal cell nevus syndrome. Identifiers: Orphanet 377, MedGen C0004779, MONDO:0007187.
PTCH1-related disorder. Also called: PTCH1-related disorders; PTCH1-related condition.

Allele frequency attached by ClinVar (database versions not stated): gnomAD exomes 0.00005 and 0.00012; ExAC 0.00019; TOPMed 0.00030; 1000 Genomes Project 30x 0.00031; gnomAD 0.00032; ESP Exome Variant Server 0.00038; 1000 Genomes Project 0.00040.

Submissions (7):

Labcorp Genetics (formerly Invitae), Labcorp
Classification: Benign for Gorlin syndrome. Last evaluated: 2026-01-16. Review status: criteria provided, single submitter. Criteria: Invitae Variant Classification Sherloc (09022015). Collection method: clinical testing. Allele origin: germline.

Sema4
Classification: Likely benign for Hereditary cancer-predisposing syndrome. Last evaluated: 2022-02-14. Review status: criteria provided, single submitter. Criteria: Sema4 Curation Guidelines. Collection method: curation. Allele origin: germline.

Ambry Genetics
Classification: Likely benign for Hereditary cancer-predisposing syndrome. Last evaluated: 2021-02-24. Review status: criteria provided, single submitter. Criteria: Ambry Variant Classification Scheme 2023. Collection method: clinical testing. Allele origin: germline.

ARUP Laboratories, Molecular Genetics and Genomics, ARUP Laboratories
Classification: Uncertain significance. Last evaluated: 2018-01-24. Review status: criteria provided, single submitter. Criteria: ARUP Molecular Germline Variant Investigation Process. Collection method: clinical testing. Allele origin: germline.
Comment: The c.1913G>A; p.Arg638His variant (rs145766839), to our knowledge, is not reported in the medical literature, nor has it been previously identified by our laboratory. This variant is listed in the genome Aggregation Database (gnomAD) with an African population frequency of 0.1% (identified on 27 out of 24,020 chromosomes) and is classified as likely benign in ClinVar (ID 220182). The arginine at position 638 is weakly conserved, considering 12 species, and computational analyses of the effects of the p.Arg638His variant on protein structure and function provide conflicting information (SIFT: tolerated, MutationTaster: disease causing, PolyPhen-2: benign). Based on the available information, the clinical significance of the p.Arg638His variant cannot be determined with certainty.

GeneDx
Classification: Likely benign. Last evaluated: 2017-11-10. Review status: criteria provided, single submitter. Criteria: GeneDx Variant Classification (06012015). Collection method: clinical testing. Allele origin: germline. Affected: yes.
Comment: This variant is considered likely benign or benign based on one or more of the following criteria: it is a conservative change, it occurs at a poorly conserved position in the protein, it is predicted to be benign by multiple in silico algorithms, and/or has population frequency not consistent with disease.

Eurofins Ntd Llc (ga)
Classification: Likely benign. Last evaluated: 2017-11-03. Review status: criteria provided, single submitter. Criteria: EGL Classification Definitions 2015. Collection method: clinical testing. Allele origin: germline. Observed: 2 variant alleles, 2 heterozygotes.

PreventionGenetics, part of Exact Sciences
Classification: Likely benign for PTCH1-related condition. Last evaluated: 2022-09-30. Review status: no assertion criteria provided. Collection method: clinical testing. Allele origin: germline. Not counted in ClinVar's aggregate classification.
Comment: This variant is classified as likely benign based on ACMG/AMP sequence variant interpretation guidelines (Richards et al. 2015 PMID: 25741868, with internal and published modifications).

NM_000264.5(PTCH1):c.1913G>A (p.Arg638His)

Genes: PTCH1 (patched 1; minus strand), LOC100507346 (uncharacterized LOC100507346; plus strand). Cytogenetic location: 9q22.32.
Variant type: single nucleotide variant.
Coding change: c.1913G>A on transcript NM_000264.5 (MANE Select); coding-DNA position 1913, G replaced by A.
Protein change: p.Arg638His; replaces arginine 638 with histidine.
Molecular consequence: missense variant. On other transcripts: non-coding transcript variant (2).
Genome position (GRCh38, 1-based): chr9:95,469,088, C>T on the plus strand (G>A on the coding strand, the complement: PTCH1 is on the minus strand). VCF-style: chr9-95469088-C-T. GRCh37 (hg19) VCF-style: chr9-98231370-C-T.
Other names: c.1715G>A, p.Arg572His (NM_001083602.3); c.1910G>A, p.Arg637His (NM_001083603.3); c.1460G>A, p.Arg487His (NM_001083604.3, NM_001083605.3, NM_001083606.3 and 1 more transcripts); c.1757G>A, p.Arg586His (NM_001354918.2); short protein forms R572H, R638H, R487H, R586H, R637H.
Identifiers: ClinVar variation 220182 (VCV000220182.28), dbSNP rs145766839, ClinGen allele CA350619.